The following is an entry in ClinVar:

NM_006164.5(NFE2L2):c.980C>G (p.Ala327Gly)

Gene: NFE2L2 (NFE2 like bZIP transcription factor 2; minus strand). Cytogenetic location: 2q31.2.
Variant type: single nucleotide variant.
Coding change: c.980C>G on transcript NM_006164.5 (MANE Select); coding-DNA position 980, C replaced by G.
Protein change: p.Ala327Gly; replaces alanine 327 with glycine.
Molecular consequence: missense variant.
Genome position (GRCh38, 1-based): chr2:177,231,623, G>C on the plus strand (C>G on the coding strand, the complement: NFE2L2 is on the minus strand). VCF-style: chr2-177231623-G-C. GRCh37 (hg19) VCF-style: chr2-178096351-G-C.
Other names: c.932C>G, p.Ala311Gly (NM_001145412.3, NM_001313900.1, NM_001313901.1); c.911C>G, p.Ala304Gly (NM_001145413.3); c.890C>G, p.Ala297Gly (NM_001313902.2); c.761C>G, p.Ala254Gly (NM_001313903.2); c.680C>G, p.Ala227Gly (NM_001313904.1); short protein forms A297G, A304G, A311G, A227G, A254G, A327G.
Identifiers: ClinVar variation 2841326 (VCV002841326.3), dbSNP rs762046795, ClinGen allele CA349372756.

ClinVar aggregate classification (germline): Uncertain significance (1 of 4 stars; one submission).

Submission:

Labcorp Genetics (formerly Invitae), Labcorp
Classification: Uncertain significance. Last evaluated: 2023-03-15. Review status: criteria provided, single submitter. Criteria: Invitae Variant Classification Sherloc (09022015). Collection method: clinical testing. Allele origin: germline.
Comment: In summary, the available evidence is currently insufficient to determine the role of this variant in disease. Therefore, it has been classified as a Variant of Uncertain Significance. Advanced modeling of protein sequence and biophysical properties (such as structural, functional, and spatial information, amino acid conservation, physicochemical variation, residue mobility, and thermodynamic stability) performed at Invitae indicates that this missense variant is not expected to disrupt NFE2L2 protein function. This variant has not been reported in the literature in individuals affected with NFE2L2-related conditions. This variant is present in population databases (no rsID available, gnomAD 0.0009%). This sequence change replaces alanine, which is neutral and non-polar, with glycine, which is neutral and non-polar, at codon 327 of the NFE2L2 protein (p.Ala327Gly).